The following is an entry in ClinVar:

NM_006015.6(ARID1A):c.1469C>T (p.Pro490Leu)

Gene: ARID1A (AT-rich interaction domain 1A; plus strand). Cytogenetic location: 1p36.11.
Variant type: single nucleotide variant.
Coding change: c.1469C>T on transcript NM_006015.6 (MANE Select); coding-DNA position 1469, C replaced by T.
Protein change: p.Pro490Leu; replaces proline 490 with leucine.
Molecular consequence: missense variant.
Genome position (GRCh38, 1-based): chr1:26,731,270, C>T. VCF-style: chr1-26731270-C-T. GRCh37 (hg19) VCF-style: chr1-27057761-C-T.
Other names: c.1469C>T, p.Pro490Leu (NM_139135.4); short protein forms P490L.
Identifiers: ClinVar variation 3025993 (VCV003025993.23), dbSNP rs781266953, ClinGen allele CA706787.

ClinVar aggregate classification (germline): Likely benign. Review status: criteria provided, multiple submitters, no conflicts (2 of 4 stars). 2 submissions from 2 submitters: Likely benign (2). Last evaluated 2025-11-18.

Conditions:
ARID1A-related disorder. Also called: ARID1A-related condition.

Allele frequency attached by ClinVar (database versions not stated): ExAC 0.00001; gnomAD 0.00002; TOPMed 0.00003; gnomAD exomes 0.00004.
gnomAD v4.1: 58 of 1,613,890 alleles (0.0036%); highest among the groups gnomAD compares: Non-Finnish European, 0.0044%; no homozygotes.

Submissions (2):

PreventionGenetics, part of Exact Sciences
Classification: Likely benign for ARID1A-related condition. Last evaluated: 2025-11-18. Review status: criteria provided, single submitter. Criteria: ACMG Guidelines, 2015. Collection method: clinical testing. Allele origin: germline.
Comment: This variant is classified as likely benign based on ACMG/AMP sequence variant interpretation guidelines (Richards et al. 2015 PMID: 25741868, with internal and published modifications).

CeGaT Center for Human Genetics Tuebingen
Classification: Likely benign. Last evaluated: 2024-02-01. Review status: criteria provided, single submitter. Criteria: CeGaT Center For Human Genetics Tuebingen Variant Classification Criteria Version 2. Collection method: clinical testing. Allele origin: germline. Affected: yes. Observed: 1 variant allele.
Comment: ARID1A: PP2, BS2